The following is an entry in ClinVar:

ClinVar aggregate classification (germline): Pathogenic (1 of 4 stars; one submission).

Submission:

Athena Diagnostics
Classification: Pathogenic. Last evaluated: 2022-06-06. Review status: criteria provided, single submitter. Criteria: Athena Diagnostics Criteria. Collection method: clinical testing. Allele origin: unknown.
Comment: This variant has been identified in at least one individual with CADASIL. This variant has not been reported in large, multi-ethnic general populations. This variant results in the same amino acid change as c.128G>A, which composes part of this deletion insertion, and is also classified as pathogenic when observed alone. Additionally, one other missense variant affects this codon and is classified as pathogenic (c.128G>T; p.Cys43Phe). This variant alters a critical location within the protein, and is expected to severely affect function and cause disease. Greater than 90% of pathogenic variants identified in NOTCH3 involve the gain or loss of a cysteine residue within the epidermal growth factor (EGF)-like repeat domain.

NM_000435.3(NOTCH3):c.128_129delinsAT (p.Cys43Tyr)

Gene: NOTCH3 (notch receptor 3; minus strand). Cytogenetic location: 19p13.12.
Variant type: Indel.
Coding change: c.128_129delinsAT on transcript NM_000435.3 (MANE Select); coding-DNA positions 128 to 129, GC replaced by AT.
Protein change: p.Cys43Tyr; replaces cysteine 43 with tyrosine.
Molecular consequence: missense variant.
Genome position (GRCh38, 1-based): chr19:15,197,568-15,197,569, GC replaced by AT on the plus strand (GC replaced by AT on the coding strand, the reverse complement: NOTCH3 is on the minus strand). VCF-style: chr19-15197568-GC-AT. GRCh37 (hg19) VCF-style: chr19-15308379-GC-AT.
Other names: short protein forms C43Y.
Identifiers: ClinVar variation 1807364 (VCV001807364.1), dbSNP rs2512672832, ClinGen allele CA2580096648.